The following is an entry in ClinVar:

ClinVar aggregate classification (germline): Uncertain significance. Review status: criteria provided, multiple submitters, no conflicts (2 of 4 stars). 2 submissions from 2 submitters: Uncertain significance (2). Last evaluated 2025-08-30.

Conditions:
Hereditary cancer-predisposing syndrome. Also called: Neoplastic Syndromes, Hereditary; Hereditary Cancer Syndrome; Tumor predisposition; Hereditary neoplastic syndrome. Identifiers: Orphanet 140162, MedGen C0027672, MeSH D009386, MONDO:0015356.
Tuberous sclerosis 2 (TSC2). Identifiers: Orphanet 805, MedGen C1860707, MONDO:0013199, OMIM 613254.

gnomAD v4.1: 3 of 1,613,692 alleles (0.00019%); highest among the groups gnomAD compares: Non-Finnish European, 0.00025%; no homozygotes.

Submissions (2):

Labcorp Genetics (formerly Invitae), Labcorp
Classification: Uncertain significance for Tuberous sclerosis 2. Last evaluated: 2025-08-30. Review status: criteria provided, single submitter. Criteria: Invitae Variant Classification Sherloc (09022015). Collection method: clinical testing. Allele origin: germline.
Comment: This sequence change replaces proline, which is neutral and non-polar, with histidine, which is basic and polar, at codon 542 of the TSC2 protein (p.Pro542His). This variant is not present in population databases (gnomAD no frequency). This variant has not been reported in the literature in individuals affected with TSC2-related conditions. ClinVar contains an entry for this variant (Variation ID: 1507442). Invitae Evidence Modeling of protein sequence and biophysical properties (such as structural, functional, and spatial information, amino acid conservation, physicochemical variation, residue mobility, and thermodynamic stability) indicates that this missense variant is not expected to disrupt TSC2 protein function with a negative predictive value of 95%. In summary, the available evidence is currently insufficient to determine the role of this variant in disease. Therefore, it has been classified as a Variant of Uncertain Significance.

Ambry Genetics
Classification: Uncertain significance for Hereditary cancer-predisposing syndrome. Last evaluated: 2022-11-19. Review status: criteria provided, single submitter. Criteria: Ambry Variant Classification Scheme 2023. Collection method: clinical testing. Allele origin: germline.
Comment: The p.P542H variant (also known as c.1625C>A), located in coding exon 15 of the TSC2 gene, results from a C to A substitution at nucleotide position 1625. The proline at codon 542 is replaced by histidine, an amino acid with similar properties. This amino acid position is conserved. In addition, the in silico prediction for this alteration is inconclusive. Since supporting evidence is limited at this time, the clinical significance of this alteration remains unclear.

NM_000548.5(TSC2):c.1625C>A (p.Pro542His)

Gene: TSC2 (TSC complex subunit 2; plus strand). Cytogenetic location: 16p13.3.
Variant type: single nucleotide variant.
Coding change: c.1625C>A on transcript NM_000548.5 (MANE Select); coding-DNA position 1625, C replaced by A.
Protein change: p.Pro542His; replaces proline 542 with histidine.
Molecular consequence: missense variant.
Genome position (GRCh38, 1-based): chr16:2,065,544, C>A. VCF-style: chr16-2065544-C-A. GRCh37 (hg19) VCF-style: chr16-2115545-C-A.
Other names: c.1625C>A, p.Pro542His (NM_001077183.3, NM_001114382.3, NM_001363528.2 and 3 more transcripts); c.1514C>A, p.Pro505His (NM_001318827.2); c.1478C>A, p.Pro493His (NM_001318829.2); c.1025C>A, p.Pro342His (NM_001318831.2); c.1658C>A, p.Pro553His (NM_001318832.2); c.1625C>A (NM_000548.3); short protein forms P542H, P493H, P342H, P505H, P553H.
Identifiers: ClinVar variation 1507442 (VCV001507442.7), dbSNP rs764191178, ClinGen allele CA394267715.